The following is an entry in ClinVar:

NM_001009944.3(PKD1):c.7303dup (p.Arg2435fs)

Gene: PKD1 (polycystin 1, transient receptor potential channel interacting; minus strand). Cytogenetic location: 16p13.3.
Variant type: Duplication.
Coding change: c.7303dup on transcript NM_001009944.3 (MANE Select); coding-DNA position 7303, one base duplicated (C; older notation c.7303dupC).
Protein change: p.Arg2435fs; shifts the reading frame from arginine 2435.
Molecular consequence: frameshift variant.
Genome position (GRCh38, 1-based): chr16:2,106,584, G duplicated on the plus strand (C on the coding strand, the reverse complement: PKD1 is on the minus strand). VCF-style (leftmost placement, unchanged base first): chr16-2106583-C-CG. GRCh37 (hg19) VCF-style: chr16-2156584-C-CG.
Other names: c.7303dup, p.Arg2435fs (NM_000296.4); short protein forms R2435fs.
Identifiers: ClinVar variation 3236089 (VCV003236089.1), dbSNP rs2544781629, ClinGen allele CA2825002373.

ClinVar aggregate classification (germline): Pathogenic (1 of 4 stars; one submission).

Conditions:
Polycystic kidney disease, adult type (PKD1). Also called: Polycystic Kidney Disease 1, Autosomal Dominant; Polycystic kidney disease 1; Polycystic kidney disease 1, severe; Polycystic Kidney, Autosomal Dominant; POLYCYSTIC KIDNEY DISEASE 1 WITH OR WITHOUT POLYCYSTIC LIVER DISEASE; POLYCYSTIC KIDNEY DISEASE, ADULT, TYPE I. Identifiers: MedGen C3149841, MONDO:0008263, OMIM 173900.

Submission:

MVZ Medizinische Genetik Mainz
Classification: Pathogenic for Polycystic kidney disease, adult type. Last evaluated: 2023-09-26. Review status: criteria provided, single submitter. Criteria: UK Practice Guidelines For Variant Classification V4 01 2020. Collection method: clinical testing. Allele origin: germline. Inheritance: Autosomal dominant inheritance. Affected: yes. Observed: 1 variant allele.
Comment: ACMG Criteria: PVS1,PM2_SUP,PP4